The following is an entry in ClinVar:

NM_152383.5(DIS3L2):c.1392_1394del (p.Ser465del)

Gene: DIS3L2 (DIS3 like 3'-5' exoribonuclease 2; plus strand). Cytogenetic location: 2q37.1.
Variant type: Deletion.
Coding change: c.1392_1394del on transcript NM_152383.5 (MANE Select); coding-DNA positions 1392 to 1394, 3 bases deleted (CTC; older notation c.1392_1394delCTC).
Protein change: p.Ser465del; deletes serine 465.
Molecular consequence: inframe deletion. On other transcripts: non-coding transcript variant (2).
Genome position (GRCh38, 1-based): chr2:232,249,313-232,249,315, CTC deleted. VCF-style (leftmost placement, unchanged base first): chr2-232249312-TCTC-T. GRCh37 (hg19) VCF-style: chr2-233114022-TCTC-T.
Other names: c.1392_1394del, p.Ser465del (NM_001257281.2); short protein forms S465del.
Identifiers: ClinVar variation 2024967 (VCV002024967.4), dbSNP rs2470049523, ClinGen allele CA2580066028.
Genomic context (GRCh38, chr2:232,249,312, plus strand): 5'-TTCCCAGGCTGCTGTGTGAGGAGCTGTGCAGCCTCAACCCCATGTCCGACAAGCTGACCT[TCTC>T]TGTGATCTGGACACTGACTCCAGAGGGCAAGGTAACAACTTACACGTTTTCTTTCTCCAC-3'

ClinVar aggregate classification (germline): Uncertain significance (1 of 4 stars; one submission).

Conditions:
Perlman syndrome (PRLMNS). Identifiers: Orphanet 2849, MedGen C0796113, MONDO:0009965, OMIM 267000.

Submission:

Labcorp Genetics (formerly Invitae), Labcorp
Classification: Uncertain significance for Perlman syndrome. Last evaluated: 2022-08-19. Review status: criteria provided, single submitter. Criteria: Invitae Variant Classification Sherloc (09022015). Collection method: clinical testing. Allele origin: germline.
Comment: In summary, the available evidence is currently insufficient to determine the role of this variant in disease. Therefore, it has been classified as a Variant of Uncertain Significance. Experimental studies and prediction algorithms are not available or were not evaluated, and the functional significance of this variant is currently unknown. This variant has not been reported in the literature in individuals affected with DIS3L2-related conditions. This variant is not present in population databases (gnomAD no frequency). This variant, c.1392_1394del, results in the deletion of 1 amino acid(s) of the DIS3L2 protein (p.Ser465del), but otherwise preserves the integrity of the reading frame.